The following is an entry in ClinVar:

ClinVar aggregate classification (germline): Conflicting classifications of pathogenicity. Review status: criteria provided, conflicting classifications (1 of 4 stars). 9 submissions from 8 submitters: Uncertain significance (1); Benign (3); Likely benign (4). 1 of the submissions does not count toward it. Last evaluated 2026-01-25.

Conditions:
Cardiovascular phenotype. Identifiers: MedGen CN230736.
Hereditary cancer-predisposing syndrome. Also called: Tumor predisposition; Hereditary neoplastic syndrome; Hereditary Cancer Syndrome; Neoplastic Syndromes, Hereditary. Identifiers: Orphanet 140162, MedGen C0027672, MeSH D009386, MONDO:0015356.
NF1-related disorder. Also called: NF1-related condition. Identifiers: MedGen CN379171.
Neurofibromatosis, type 1 (NF1). Also called: VON RECKLINGHAUSEN DISEASE; Peripheral type neurofibromatosis; NEUROFIBROMATOSIS, TYPE I, SOMATIC; Neurofibromatosis, type I. Identifiers: Orphanet 636, MedGen C0027831, MONDO:0018975, OMIM 162200. Disease mechanism: loss of function.

Allele frequency attached by ClinVar (database versions not stated): 1000 Genomes Project 30x 0.00078; gnomAD exomes 0.00015 and 0.00006; gnomAD 0.00002 and 0.00007; TOPMed 0.00002; ExAC 0.00017; 1000 Genomes Project 0.00060.

Submissions (9):

Labcorp Genetics (formerly Invitae), Labcorp
Classification: Likely benign for Neurofibromatosis, type 1. Last evaluated: 2026-01-25. Review status: criteria provided, single submitter. Criteria: Invitae Variant Classification Sherloc (09022015). Collection method: clinical testing. Allele origin: germline.

Dasa
Classification: Uncertain significance. Last evaluated: 2025-09-22. Review status: criteria provided, single submitter. Criteria: DASA Assertion Criteria. Collection method: clinical testing. Allele origin: germline.
Comment: NM_001042492.3(NF1):c.1901T>C (p.Ile634Thr) is a missense variant that results in the substitution of isoleucine with threonine. This variant is rare in population databases. Computational prediction algorithms are consistent with a benign effect. The currently available literature and clinical evidence are not sufficient to establish a definitive association between this variant and the reported condition. Therefore, this variant is classified as a variant of uncertain significance.

KCCC/NGS Laboratory, Kuwait Cancer Control Center
Classification: Benign for Neurofibromatosis, type 1. Last evaluated: 2025-02-01. Review status: criteria provided, single submitter. Criteria: ACMG Guidelines, 2015. Collection method: clinical testing. Allele origin: germline. Affected: no.

Genome-Nilou Lab
Classification: Benign for Neurofibromatosis, type 1. Last evaluated: 2022-03-15. Review status: criteria provided, single submitter. Criteria: ACMG Guidelines, 2015. Collection method: clinical testing. Allele origin: germline. Affected: no.

Sema4
Classification: Benign for Hereditary cancer-predisposing syndrome. Last evaluated: 2022-02-02. Review status: criteria provided, single submitter. Criteria: Sema4 Curation Guidelines. Collection method: curation. Allele origin: germline.

GeneDx
Classification: Likely benign. Last evaluated: 2020-02-26. Review status: criteria provided, single submitter. Criteria: GeneDx Variant Classification Process June 2021. Collection method: clinical testing. Allele origin: germline. Affected: yes.

Ambry Genetics
Classification: Likely benign for Cardiovascular phenotype; Hereditary cancer-predisposing syndrome. Last evaluated: 2019-02-07. Review status: criteria provided, single submitter. Criteria: Ambry Variant Classification Scheme 2023. Collection method: clinical testing. Allele origin: germline.

Ambry Genetics
Classification: Likely benign for Hereditary cancer-predisposing syndrome. Last evaluated: 2016-03-01. Review status: criteria provided, single submitter. Criteria: Ambry Autosomal Dominant and X-Linked criteria (10/2015). Collection method: clinical testing. Allele origin: germline. Observed: 1 variant allele.
Comment: In silico models in agreement (benign);Rarity in general population databases (dbsnp, esp, 1000 genomes);Subpopulation frequency in support of benign classification

PreventionGenetics, part of Exact Sciences
Classification: Likely benign for NF1-related condition. Last evaluated: 2022-08-11. Review status: no assertion criteria provided. Collection method: clinical testing. Allele origin: germline. Not counted in ClinVar's aggregate classification.
Comment: This variant is classified as likely benign based on ACMG/AMP sequence variant interpretation guidelines (Richards et al. 2015 PMID: 25741868, with internal and published modifications).

NM_001042492.3(NF1):c.1901T>C (p.Ile634Thr)

Gene: NF1 (neurofibromin 1; plus strand). Cytogenetic location: 17q11.2.
Variant type: single nucleotide variant.
Coding change: c.1901T>C on transcript NM_001042492.3 (MANE Select); coding-DNA position 1901, T replaced by C.
Protein change: p.Ile634Thr; replaces isoleucine 634 with threonine.
Molecular consequence: missense variant.
Genome position (GRCh38, 1-based): chr17:31,225,150, T>C. VCF-style: chr17-31225150-T-C. GRCh37 (hg19) VCF-style: chr17-29552168-T-C.
Other names: c.1901T>C, p.Ile634Thr (NM_000267.4); short protein forms I634T.
Identifiers: ClinVar variation 231484 (VCV000231484.24), dbSNP rs527563505, ClinGen allele CA8485880.